The following is an entry in ClinVar:

ClinVar aggregate classification (germline): Pathogenic (1 of 4 stars; one submission).

Conditions:
VPS13A-related neurodegenerative disease. Also called: ACANTHOCYTOSIS WITH NEUROLOGIC DISORDER; LEVINE-CRITCHLEY SYNDROME; Choreoacanthocytosis; Chorea-acanthocytosis; Choreaacanthocytosis; VPS13A Disease. Identifiers: Orphanet 2388, MedGen C0393576, MONDO:0008695, OMIM 200150.

Submission:

Myriad Genetics, Inc.
Classification: Pathogenic for VPS13A-related neurodegenerative disease. Last evaluated: 2026-06-03. Review status: criteria provided, single submitter. Criteria: Myriad Autosomal Dominant, Autosomal Recessive and X-Linked Classification Criteria (2023). Collection method: clinical testing. Allele origin: unknown.
Comment: NM_033305.2(VPS13A):c.8053_8054dupGA(D2685Efs*7) is expected to be pathogenic in the context of VPS13A disease. This variant is predicted to lead to an abnormal or absent protein product due to the creation of a premature termination codon in VPS13A, a gene where loss-of-function variants are known to be pathogenic. Please note: this variant was assessed in the context of healthy population screening.

NM_033305.3(VPS13A):c.8053_8054dup (p.Asp2685fs)

Gene: VPS13A (vacuolar protein sorting 13 homolog A; plus strand). Cytogenetic location: 9q21.2.
Variant type: Duplication.
Coding change: c.8053_8054dup on transcript NM_033305.3 (MANE Select); coding-DNA positions 8053 to 8054, 2 bases duplicated (GA; older notation c.8053_8054dupGA).
Protein change: p.Asp2685fs; shifts the reading frame from aspartic acid 2685.
Molecular consequence: frameshift variant.
Genome position (GRCh38, 1-based): chr9:77,359,350-77,359,351, GA duplicated; duplicating any 2 consecutive bases within chr9:77,359,349-77,359,351 gives the same sequence; the c. name uses the placement nearest the transcript's 3' end. VCF-style (leftmost placement, unchanged base first): chr9-77359348-C-CAG. GRCh37 (hg19) VCF-style: chr9-79974264-C-CAG.
Other names: c.7936_7937dup, p.Asp2646fs (NM_001018037.2); c.8053_8054dup, p.Asp2685fs (NM_001018038.3, NM_015186.4); short protein forms D2646fs, D2685fs.
Identifiers: ClinVar variation 5015983 (VCV005015983.1).